The following is an entry in ClinVar:

ClinVar aggregate classification (germline): Likely pathogenic. Review status: criteria provided, multiple submitters, no conflicts (2 of 4 stars). 2 submissions from 2 submitters: Likely pathogenic (2). Last evaluated 2025-07-10.

Conditions:
Hereditary cancer-predisposing syndrome. Also called: Hereditary neoplastic syndrome; Neoplastic Syndromes, Hereditary; Tumor predisposition; Hereditary Cancer Syndrome. Identifiers: Orphanet 140162, MedGen C0027672, MeSH D009386, MONDO:0015356.
BAP1-related tumor predisposition syndrome (TPDS1). Also called: Tumor susceptibility linked to germline BAP1 mutations; COMMON Syndrome; TUMOR PREDISPOSITION SYNDROME 1; BAP1 tumor predisposition syndrome. Identifiers: Orphanet 289539, MedGen C3280492, MONDO:0013692, OMIM 614327.

Submissions (2):

Labcorp Genetics (formerly Invitae), Labcorp
Classification: Likely pathogenic for BAP1-related tumor predisposition syndrome. Last evaluated: 2025-07-10. Review status: criteria provided, single submitter. Criteria: Invitae Variant Classification Sherloc (09022015). Collection method: clinical testing. Allele origin: germline.
Comment: This sequence change affects a donor splice site in intron 2 of the BAP1 gene. RNA analysis indicates that disruption of this splice site induces altered splicing and likely results in the gain of 35 amino acid residue(s), but is expected to preserve the integrity of the reading-frame. This variant is not present in population databases (gnomAD no frequency). Disruption of this splice site has been observed in individuals with BAP1-related conditions (PMID: 26876698, 30517737, 31058963). ClinVar contains an entry for this variant (Variation ID: 3818842). Algorithms developed to predict the effect of variants on gene product structure and function are not available or were not evaluated for this variant. Experimental studies have shown that disruption of this splice site affects BAP1 function (PMID: 37956408). Studies have shown that disruption of this splice site results in the activation of a cryptic splice site in intron 2 (PMID: 1058963). In summary, the currently available evidence indicates that the variant is pathogenic, but additional data are needed to prove that conclusively. Therefore, this variant has been classified as Likely Pathogenic.

Ambry Genetics
Classification: Likely pathogenic for Hereditary cancer-predisposing syndrome. Last evaluated: 2025-01-02. Review status: criteria provided, single submitter. Criteria: Ambry Variant Classification Scheme 2023. Collection method: clinical testing. Allele origin: germline.
Comment: The c.67+1G>T intronic variant results from a G to T substitution one nucleotide after coding exon 2 of the BAP1 gene. Alterations that disrupt the canonical splice site are expected to cause aberrant splicing, resulting in an abnormal protein or a transcript that is subject to nonsense-mediated mRNA decay. This variant was reported in individuals with features consistent with BAP1-repated tumor predisposition syndrome (Turunen JA et al. Ophthalmology, 2016 May;123:1112-7; Repo P et al. Hum Mol Genet, 2019 Jul;28:2415-2426). In addition, a bacteria-based functional study reported that this variant resulted in reduced deubiquitination activity and impaired nuclear localization (Repo P et al. Hum Mol Genet, 2019 Jul;28:2415-2426), and this alteration was reported as non-functional in a high throughput genome editing haploid cell survival assay (Waters AJ et al. Nat Genet. 2024 Jul;56(7):1434-1445). This nucleotide position is highly conserved in available vertebrate species. In silico splice site analysis predicts that this alteration will weaken the native splice donor site. One minigene study demonstrated that this alteration results in abnormal splicing (Repo P et al. Hum Mol Genet, 2019 Jul;28:2415-2426). Based on the majority of available evidence to date, this variant is likely to be pathogenic.

Literature cited by the submitters: PubMed 26876698 (cited by Labcorp Genetics (formerly Invitae), Labcorp and Ambry Genetics); PubMed 30517737 (cited by Labcorp Genetics (formerly Invitae), Labcorp); PubMed 31058963 (cited by Labcorp Genetics (formerly Invitae), Labcorp and Ambry Genetics); PubMed 37956408 (cited by Labcorp Genetics (formerly Invitae), Labcorp); PubMed 1058963 (cited by Labcorp Genetics (formerly Invitae), Labcorp); PubMed 38969833 (cited by Ambry Genetics).

NM_004656.4(BAP1):c.67+1G>T

Gene: BAP1 (BRCA1 associated deubiquitinase 1; minus strand). Cytogenetic location: 3p21.1.
Variant type: single nucleotide variant.
Coding change: c.67+1G>T on transcript NM_004656.4 (MANE Select); the canonical splice donor site of the intron after coding-DNA position 67, G replaced by T.
Molecular consequence: splice donor variant.
Genome position (GRCh38, 1-based): chr3:52,409,713, C>A on the plus strand (G>T on the coding strand, the complement: BAP1 is on the minus strand). VCF-style: chr3-52409713-C-A. GRCh37 (hg19) VCF-style: chr3-52443729-C-A.
Other names: c.67+1G>T (NM_001410772.1).
Identifiers: ClinVar variation 3818842 (VCV003818842.2).
Genomic context (GRCh38, chr3:52,409,713, plus strand): 5'-GAGTGAGGGCGCAGGGGTGGGCCGCCACAGCCCCGGTCCGGCAGGGAGAAAAGGCTCTTA[C>A]CGAAATCTTCCACGAGCAGGGTGAAGAGGCCTGGGTGGGGCGACAAGAGGAGGGGGTGAT-3'